The following is an entry in ClinVar:

ClinVar aggregate classification (germline): Uncertain significance (1 of 4 stars; one submission).

Allele frequency attached by ClinVar (database versions not stated): gnomAD exomes below 0.00001.

Submission:

CeGaT Center for Human Genetics Tuebingen
Classification: Uncertain significance. Last evaluated: 2022-08-01. Review status: criteria provided, single submitter. Criteria: CeGaT Center For Human Genetics Tuebingen Variant Classification Criteria Version 2. Collection method: clinical testing. Allele origin: germline. Affected: yes. Observed: 1 variant allele.
Comment: MTOR: PM2:Supporting, BP4

NM_004958.4(MTOR):c.1572G>A (p.Leu524=)

Gene: MTOR (mechanistic target of rapamycin kinase; minus strand). Cytogenetic location: 1p36.22.
Variant type: single nucleotide variant.
Coding change: c.1572G>A on transcript NM_004958.4 (MANE Select); coding-DNA position 1572, G replaced by A.
Protein change: p.Leu524=; no amino-acid change (leucine 524 retained).
Molecular consequence: synonymous variant.
Genome position (GRCh38, 1-based): chr1:11,240,517, C>T on the plus strand (G>A on the coding strand, the complement: MTOR is on the minus strand). VCF-style: chr1-11240517-C-T. GRCh37 (hg19) VCF-style: chr1-11300574-C-T.
Other names: c.1572G>A, p.Leu524= (NM_001386500.1); c.324G>A, p.Leu108= (NM_001386501.1).
Identifiers: ClinVar variation 2638230 (VCV002638230.24), dbSNP rs2100910387, ClinGen allele CA415923860.
Genomic context (GRCh38, chr1:11,240,517, plus strand): 5'-GGACAGCATTTTCAGTAGCCCATCTTGAATGTCCTTCTTTAGCTGTGGAATCTGACGGCT[C>T]AGGTCGTAGAGCACTGCAGTGAGGGCAGGGCTGAGGGGAAGGAAACAAGTCACATAAGGG-3'
Protein context (NP_004949.1, residues 514-534): SPALTAVLYD[Leu524=]SRQIPQLKKD